The following is an entry in ClinVar:

ClinVar aggregate classification (germline): Uncertain significance (1 of 4 stars; one submission).

Conditions:
Progressive myoclonic epilepsy type 7. Identifiers: Orphanet 435438, MedGen C4015420, MONDO:0014521, OMIM 616187.

Submission:

Labcorp Genetics (formerly Invitae), Labcorp
Classification: Uncertain significance for Progressive myoclonic epilepsy type 7. Last evaluated: 2022-05-29. Review status: criteria provided, single submitter. Criteria: Invitae Variant Classification Sherloc (09022015). Collection method: clinical testing. Allele origin: germline.
Comment: This variant is not present in population databases (gnomAD no frequency). In summary, the available evidence is currently insufficient to determine the role of this variant in disease. Therefore, it has been classified as a Variant of Uncertain Significance. Advanced modeling of protein sequence and biophysical properties (such as structural, functional, and spatial information, amino acid conservation, physicochemical variation, residue mobility, and thermodynamic stability) performed at Invitae indicates that this missense variant is expected to disrupt KCNC1 protein function. This variant has not been reported in the literature in individuals affected with KCNC1-related conditions. This sequence change replaces serine, which is neutral and polar, with tryptophan, which is neutral and slightly polar, at codon 24 of the KCNC1 protein (p.Ser24Trp).

NM_001112741.2(KCNC1):c.71C>G (p.Ser24Trp)

Gene: KCNC1 (potassium voltage-gated channel subfamily C member 1; plus strand). Cytogenetic location: 11p15.1.
Variant type: single nucleotide variant.
Coding change: c.71C>G on transcript NM_001112741.2 (MANE Select); coding-DNA position 71, C replaced by G.
Protein change: p.Ser24Trp; replaces serine 24 with tryptophan.
Molecular consequence: missense variant.
Genome position (GRCh38, 1-based): chr11:17,736,073, C>G. VCF-style: chr11-17736073-C-G. GRCh37 (hg19) VCF-style: chr11-17757620-C-G.
Other names: c.71C>G, p.Ser24Trp (NM_004976.4); short protein forms S24W.
Identifiers: ClinVar variation 2177429 (VCV002177429.4), dbSNP rs2497735833, ClinGen allele CA379798884.